The following is an entry in ClinVar:

NM_015001.3(SPEN):c.1994A>G (p.Gln665Arg)

Gene: SPEN (spen family transcriptional repressor; plus strand). Cytogenetic location: 1p36.13.
Variant type: single nucleotide variant.
Coding change: c.1994A>G on transcript NM_015001.3 (MANE Select); coding-DNA position 1994, A replaced by G.
Protein change: p.Gln665Arg; replaces glutamine 665 with arginine.
Molecular consequence: missense variant.
Genome position (GRCh38, 1-based): chr1:15,928,234, A>G. VCF-style: chr1-15928234-A-G. GRCh37 (hg19) VCF-style: chr1-16254729-A-G.
Other names: short protein forms Q665R.
Identifiers: ClinVar variation 3344122 (VCV003344122.1).

ClinVar aggregate classification (germline): Uncertain significance (0 of 4 stars; one submission).

Conditions:
SPEN-related disorder. Also called: SPEN-related condition.

Submission:

PreventionGenetics, part of Exact Sciences
Classification: Uncertain significance for SPEN-related condition. Last evaluated: 2024-05-14. Review status: no assertion criteria provided. Collection method: clinical testing. Allele origin: germline.
Comment: The SPEN c.1994A>G variant is predicted to result in the amino acid substitution p.Gln665Arg. To our knowledge, this variant has not been reported in the literature or in a large population database, indicating this variant is rare. The p.Gln665 residue is highly conserved during evolution. Of note, other missense variants at the flanking highly conserved codons in the same exon such as p.Arg653Pro and p.Arg713Trp have been reported in individuals with neurodevelopmental disorders (Supplementary Data 5 of Wang et al. 2020. PubMed ID: 33004838; 1:15928377:C:T, hg38 in Supplementary Table 20 of Fu et al. 2022. PubMed ID: 35982160; 1:16254872:C:T, hg19 in Supplementary Data 1 of Zhou et al. 2022. PubMed ID: 35982159). At this time, the clinical significance of this variant is uncertain due to the absence of conclusive functional and genetic evidence.